The following is an entry in ClinVar:

NM_006796.3(AFG3L2):c.1114G>A (p.Val372Ile)

Gene: AFG3L2 (AFG3 like matrix AAA peptidase subunit 2; minus strand). Cytogenetic location: 18p11.21.
Variant type: single nucleotide variant.
Coding change: c.1114G>A on transcript NM_006796.3 (MANE Select); coding-DNA position 1114, G replaced by A.
Protein change: p.Val372Ile; replaces valine 372 with isoleucine.
Molecular consequence: missense variant.
Genome position (GRCh38, 1-based): chr18:12,356,744, C>T on the plus strand (G>A on the coding strand, the complement: AFG3L2 is on the minus strand). VCF-style: chr18-12356744-C-T. GRCh37 (hg19) VCF-style: chr18-12356743-C-T.
Other names: short protein forms V372I.
Identifiers: ClinVar variation 1310618 (VCV001310618.2), dbSNP rs1908507908, ClinGen allele CA401953171.
Genomic context (GRCh38, chr18:12,356,744, plus strand): 5'-TGAGACTCACTCTAGCAGGGCCCACACCAACGAACATCTCCAAAAACTCAGATCCACTAA[C>T]GGTGATGAAGGGGACATTGGCTTCTCCGGCTGTGGCCTTAGCTAGCAGCGTCTTCCCAGT-3'
Protein context (NP_006787.2, residues 362-382): AGEANVPFIT[Val372Ile]SGSEFLEMFV

ClinVar aggregate classification (germline): Uncertain significance (1 of 4 stars; one submission).

Allele frequency attached by ClinVar (database versions not stated): gnomAD exomes below 0.00001; gnomAD 0.00001.
gnomAD v4.1: 4 of 1,614,088 alleles (0.00025%); highest among the groups gnomAD compares: South Asian, 0.0011%; no homozygotes.

Submission:

GeneDx
Classification: Uncertain significance. Last evaluated: 2019-12-02. Review status: criteria provided, single submitter. Criteria: GeneDx Variant Classification Process June 2021. Collection method: clinical testing. Allele origin: germline. Affected: yes.
Comment: Not observed in large population cohorts (Lek et al., 2016); In silico analysis, which includes protein predictors and evolutionary conservation, supports that this variant does not alter protein structure/function; Has not been previously published as pathogenic or benign to our knowledge